The following is an entry in ClinVar:

ClinVar aggregate classification (germline): Uncertain significance. Review status: reviewed by expert panel (3 of 4 stars). 4 submissions from 4 submitters: Uncertain significance (1). 3 of the submissions do not count toward it. Last evaluated 2024-10-29.

Conditions:
Hereditary thrombocytopenia and hematologic cancer predisposition syndrome. Identifiers: Orphanet 71290, MedGen CN281654, MONDO:0011071.
Inborn genetic diseases. Identifiers: MedGen C0950123, MeSH D030342.
Acute myeloid leukemia (AML). Also called: Leukemia, acute myeloid, somatic; Leukemia, acute myelogenous, somatic; Acute myeloid leukemia, adult; AML adult; Acute non-lymphocytic leukemia; Acute granulocytic leukemia. Identifiers: Orphanet 519, MedGen C0023467, MeSH D015470, MONDO:0018874, OMIM 601626, HP:0004808. Disease mechanism: Constitutively activated FLT3.
Hereditary thrombocytopenia and hematological cancer predisposition syndrome associated with RUNX1. Also called: Familial Platelet Disorder with Propensity to Acute Myelogenous Leukemia; Familial thrombocytopenia with propensity to acute myelogenous leukemia; PLATELET DISORDER, ASPIRIN-LIKE; RUNX1 Familial Platelet Disorder with Associated Myeloid Malignancies. Identifiers: Orphanet 71290, MedGen C1832388, MeSH C563324, MONDO:0100083, OMIM 601399.

Allele frequency attached by ClinVar (database versions not stated): gnomAD exomes below 0.00001.
gnomAD v4.1: 1 of 1,522,802 alleles (0.000066%); highest among the groups gnomAD compares: East Asian, 0.0024%; no homozygotes.

Submissions (4):

ClinGen Myeloid Malignancy Variant Curation Expert Panel
Classification: Uncertain significance for Hereditary thrombocytopenia and hematologic cancer predisposition syndrome. Last evaluated: 2024-10-29. Review status: reviewed by expert panel. Criteria: ClinGen MyeloMalig ACMG Specifications v2. Collection method: curation. Allele origin: germline. Inheritance: Autosomal dominant inheritance.
Comment: NM_001754.5(RUNX1):c.1409C>T (p.Ala470Val) is a missense variant. This variant is 0.00002915(0.002447%, 1/40860) in the East Asian population of gnomAD v4.1.0. This variant has not been reported in any proband meeting at least one of the RUNX1-phenotypic criteria. This missense variant has a REVEL score <0.5 (0.092)(BP4). In summary, this variant meets the criteria to be classified as a variant of uncertain significance. ACMG/AMP criteria applied, as specified by the Myeloid Malignancy Variant Curation Expert Panel for RUNX1: BP4

Ambry Genetics
Classification: Uncertain significance for Inborn genetic diseases. Last evaluated: 2026-03-30. Review status: criteria provided, single submitter. Criteria: Ambry Variant Classification Scheme 2023. Collection method: clinical testing. Allele origin: germline. Not counted in ClinVar's aggregate classification.
Comment: The p.A470V variant (also known as c.1409C>T), located in coding exon 8 of the RUNX1 gene, results from a C to T substitution at nucleotide position 1409. The alanine at codon 470 is replaced by valine, an amino acid with similar properties. This amino acid position is conserved. In addition, this alteration is predicted to be tolerated by in silico analysis. Based on the available evidence, the clinical significance of this variant remains unclear.

Labcorp Genetics (formerly Invitae), Labcorp
Classification: Uncertain significance for Hereditary thrombocytopenia and hematological cancer predisposition syndrome associated with RUNX1. Last evaluated: 2024-04-10. Review status: criteria provided, single submitter. Criteria: Invitae Variant Classification Sherloc (09022015). Collection method: clinical testing. Allele origin: germline. Not counted in ClinVar's aggregate classification.
Comment: This sequence change replaces alanine, which is neutral and non-polar, with valine, which is neutral and non-polar, at codon 470 of the RUNX1 protein (p.Ala470Val). This variant is not present in population databases (gnomAD no frequency). This variant has not been reported in the literature in individuals affected with RUNX1-related conditions. ClinVar contains an entry for this variant (Variation ID: 1401156). Advanced modeling of protein sequence and biophysical properties (such as structural, functional, and spatial information, amino acid conservation, physicochemical variation, residue mobility, and thermodynamic stability) performed at Invitae indicates that this missense variant is not expected to disrupt RUNX1 protein function with a negative predictive value of 80%. In summary, the available evidence is currently insufficient to determine the role of this variant in disease. Therefore, it has been classified as a Variant of Uncertain Significance.

Baylor Genetics
Classification: Uncertain significance for Acute myeloid leukemia. Last evaluated: 2023-09-28. Review status: criteria provided, single submitter. Criteria: ACMG Guidelines, 2015. Collection method: clinical testing. Allele origin: unknown. Not counted in ClinVar's aggregate classification.

NM_001754.5(RUNX1):c.1409C>T (p.Ala470Val)

Gene: RUNX1 (RUNX family transcription factor 1; minus strand). Cytogenetic location: 21q22.12.
Variant type: single nucleotide variant.
Coding change: c.1409C>T on transcript NM_001754.5 (MANE Select); coding-DNA position 1409, C replaced by T.
Protein change: p.Ala470Val; replaces alanine 470 with valine.
Molecular consequence: missense variant.
Genome position (GRCh38, 1-based): chr21:34,792,169, G>A on the plus strand (C>T on the coding strand, the complement: RUNX1 is on the minus strand). VCF-style: chr21-34792169-G-A. GRCh37 (hg19) VCF-style: chr21-36164466-G-A.
Other names: NM_001754.5(RUNX1):c.1409C>T; p.Ala470Val; c.1328C>T, p.Ala443Val (NM_001001890.3); c.1409C>T (NM_001754.4); short protein forms A443V, A470V.
Identifiers: ClinVar variation 1401156 (VCV001401156.11), dbSNP rs1601331921, ClinGen allele CA410146724.